The following is an entry in ClinVar:

NM_000230.3(LEP):c.60A>G (p.Gln20=)

Gene: LEP (leptin; plus strand). Cytogenetic location: 7q32.1.
Variant type: single nucleotide variant.
Coding change: c.60A>G on transcript NM_000230.3 (MANE Select); coding-DNA position 60, A replaced by G.
Protein change: p.Gln20=; no amino-acid change (glutamine 20 retained).
Molecular consequence: synonymous variant.
Genome position (GRCh38, 1-based): chr7:128,252,078, A>G. VCF-style: chr7-128252078-A-G. GRCh37 (hg19) VCF-style: chr7-127892131-A-G.
Identifiers: ClinVar variation 3351741 (VCV003351741.1).

ClinVar aggregate classification (germline): Uncertain significance (0 of 4 stars; one submission).

Conditions:
LEP-related disorder. Also called: LEP-related condition.

gnomAD v4.1: 2 of 1,614,054 alleles (0.00012%); highest among the groups gnomAD compares: Admixed American, 0.0033%; no homozygotes.

Submission:

PreventionGenetics, part of Exact Sciences
Classification: Uncertain significance for LEP-related condition. Last evaluated: 2024-06-10. Review status: no assertion criteria provided. Collection method: clinical testing. Allele origin: germline.
Comment: The LEP c.60A>G variant is not predicted to result in an amino acid change (p.=). This variant is predicted to activate a cryptic acceptor splice site (SpliceAI, Jaganathan K, et al. 2019. PubMed ID: 30661751), however prediction programs are not equivalent to a functional study. To our knowledge, this variant has not been reported in the literature or in a large population database, indicating this variant is rare. At this time, the clinical significance of this variant is uncertain due to the absence of conclusive functional and genetic evidence.